The following is an entry in ClinVar:

NM_004168.4(SDHA):c.457-11A>G

Gene: SDHA (succinate dehydrogenase complex flavoprotein subunit A; plus strand). Cytogenetic location: 5p15.33.
Variant type: single nucleotide variant.
Coding change: c.457-11A>G on transcript NM_004168.4 (MANE Select); 11 bases into the intron before coding-DNA position 457, A replaced by G.
Molecular consequence: intron variant.
Genome position (GRCh38, 1-based): chr5:225,872, A>G. VCF-style: chr5-225872-A-G. GRCh37 (hg19) VCF-style: chr5-225987-A-G.
Other names: c.457-11A>G (NM_001330758.2); c.313-11A>G (NM_001294332.2).
Identifiers: ClinVar variation 1566082 (VCV001566082.10), dbSNP rs748265289, ClinGen allele CA557397489.

ClinVar aggregate classification (germline): Likely benign. Review status: criteria provided, multiple submitters, no conflicts (2 of 4 stars). 3 submissions from 3 submitters: Likely benign (3). Last evaluated 2026-01-05.

Conditions:
Pheochromocytoma/paraganglioma syndrome 5. Also called: Paragangliomas 5; SDHA-Related Hereditary Paraganglioma-Pheochromocytoma Syndrome. Identifiers: Orphanet 29072, MedGen C3279992, MONDO:0013602, OMIM 614165.
Mitochondrial complex II deficiency, nuclear type 1. Also called: SUCCINATE CoQ REDUCTASE DEFICIENCY. Identifiers: Orphanet 3208, MedGen C5700310, MONDO:0100294, OMIM 252011.

Allele frequency attached by ClinVar (database versions not stated): TOPMed below 0.00001; gnomAD 0.00001.
gnomAD v4.1: 4 of 1,612,238 alleles (0.00025%); highest among the groups gnomAD compares: East Asian, 0.0022%; no homozygotes.

Submissions (3):

Labcorp Genetics (formerly Invitae), Labcorp
Classification: Likely benign for Pheochromocytoma/paraganglioma syndrome 5; Mitochondrial complex II deficiency, nuclear type 1. Last evaluated: 2026-01-05. Review status: criteria provided, single submitter. Criteria: Invitae Variant Classification Sherloc (09022015). Collection method: clinical testing. Allele origin: germline.

Myriad Genetics, Inc.
Classification: Likely benign for Pheochromocytoma/paraganglioma syndrome 5. Last evaluated: 2025-02-28. Review status: criteria provided, single submitter. Criteria: Myriad Autosomal Dominant, Autosomal Recessive and X-Linked Classification Criteria (2023). Collection method: clinical testing. Allele origin: unknown.
Comment: This variant is considered likely benign. This variant is intronic and is not expected to impact mRNA splicing.

Blueprint Genetics
Classification: Likely benign. Last evaluated: 2024-09-13. Review status: criteria provided, single submitter. Criteria: ACMG Guidelines, 2015. Collection method: clinical testing. Allele origin: germline.